The following is an entry in ClinVar:

ClinVar aggregate classification (germline): Uncertain significance (1 of 4 stars; one submission).

Submission:

GeneDx
Classification: Uncertain significance. Last evaluated: 2024-09-24. Review status: criteria provided, single submitter. Criteria: GeneDx Variant Classification Process June 2021. Collection method: clinical testing. Allele origin: germline. Affected: yes.
Comment: Reported using an alternate transcript of the gene; Not observed at significant frequency in large population cohorts (gnomAD); Nonsense variant predicted to result in protein truncation or nonsense mediated decay in a gene for which loss-of-function is not a known mechanism of disease.; Has not been previously published as pathogenic or benign to our knowledge

NM_001379110.1(SLC9A6):c.346C>T (p.Gln116Ter)

Gene: SLC9A6 (solute carrier family 9 member A6; plus strand). Cytogenetic location: Xq26.3.
Variant type: single nucleotide variant.
Coding change: c.346C>T on transcript NM_001379110.1 (MANE Select); coding-DNA position 346, C replaced by T.
Protein change: p.Gln116Ter; replaces glutamine 116 with a stop codon.
Molecular consequence: nonsense. On other transcripts: intron variant (3).
Genome position (GRCh38, 1-based): chrX:135,994,962, C>T. VCF-style: chrX-135994962-C-T. GRCh37 (hg19) VCF-style: chrX-135077121-C-T.
Other names: c.502C>T, p.Gln168Ter (NM_001042537.2); c.346C>T, p.Gln116Ter (NM_001177651.2, NM_001400909.1, NM_001400910.1 and 2 more transcripts); c.429+73C>T (NM_006359.3); c.273+73C>T (NM_001400913.1, NM_001330652.2); short protein forms Q116*, Q168*.
Identifiers: ClinVar variation 3773984 (VCV003773984.1).